The following is an entry in ClinVar:

ClinVar aggregate classification (germline): Uncertain significance (1 of 4 stars; one submission).

gnomAD v4.1: 1 of 1,534,398 alleles (0.000065%); highest among the groups gnomAD compares: African/African-American, 0.0014%; no homozygotes.

Submission:

GeneDx
Classification: Uncertain significance. Last evaluated: 2024-11-22. Review status: criteria provided, single submitter. Criteria: GeneDx Variant Classification Process June 2021. Collection method: clinical testing. Allele origin: germline. Affected: yes.
Comment: Not observed at significant frequency in large population cohorts (gnomAD); In silico analysis indicates that this missense variant does not alter protein structure/function; Has not been previously published as pathogenic or benign to our knowledge

NM_014712.3(SETD1A):c.4144A>G (p.Ser1382Gly)

Gene: SETD1A (SET domain containing 1A, histone lysine methyltransferase; plus strand). Cytogenetic location: 16p11.2.
Variant type: single nucleotide variant.
Coding change: c.4144A>G on transcript NM_014712.3 (MANE Select); coding-DNA position 4144, A replaced by G.
Protein change: p.Ser1382Gly; replaces serine 1382 with glycine.
Molecular consequence: missense variant.
Genome position (GRCh38, 1-based): chr16:30,979,930, A>G. VCF-style: chr16-30979930-A-G. GRCh37 (hg19) VCF-style: chr16-30991251-A-G.
Other names: short protein forms S1382G.
Identifiers: ClinVar variation 3900494 (VCV003900494.1).